The following is an entry in ClinVar:

NM_001010867.4(IBA57):c.204C>T (p.Pro68=)

Gene: IBA57 (iron-sulfur cluster assembly factor IBA57; plus strand). Cytogenetic location: 1q42.13.
Variant type: single nucleotide variant.
Coding change: c.204C>T on transcript NM_001010867.4 (MANE Select); coding-DNA position 204, C replaced by T.
Protein change: p.Pro68=; no amino-acid change (proline 68 retained).
Molecular consequence: synonymous variant.
Genome position (GRCh38, 1-based): chr1:228,166,020, C>T. VCF-style: chr1-228166020-C-T. GRCh37 (hg19) VCF-style: chr1-228353721-C-T.
Identifiers: ClinVar variation 386278 (VCV000386278.9), dbSNP rs376235022, ClinGen allele CA1431080.

ClinVar aggregate classification (germline): Likely benign. Review status: criteria provided, multiple submitters, no conflicts (2 of 4 stars). 3 submissions from 3 submitters: Likely benign (3). Last evaluated 2025-07-02.

Conditions:
Multiple mitochondrial dysfunctions syndrome 3 (MMDS3). Identifiers: Orphanet 363424, MedGen C3809165, MONDO:0014132, OMIM 615330.
Hereditary spastic paraplegia 74. Also called: Spastic paraplegia 74, autosomal recessive. Identifiers: Orphanet 468661, MedGen C5568837, MONDO:0014644, OMIM 616451.

Allele frequency attached by ClinVar (database versions not stated): gnomAD exomes 0.00004 and 0.00009; ExAC 0.00017; gnomAD 0.00017; TOPMed 0.00019.
gnomAD v4.1: 130 of 1,533,736 alleles (0.0085%); highest among the groups gnomAD compares: East Asian, 0.062%; no homozygotes.

Submissions (3):

Labcorp Genetics (formerly Invitae), Labcorp
Classification: Likely benign for Multiple mitochondrial dysfunctions syndrome 3; Hereditary spastic paraplegia 74. Last evaluated: 2025-07-02. Review status: criteria provided, single submitter. Criteria: Invitae Variant Classification Sherloc (09022015). Collection method: clinical testing. Allele origin: germline.

Blueprint Genetics
Classification: Likely benign. Last evaluated: 2024-07-16. Review status: criteria provided, single submitter. Criteria: ACMG Guidelines, 2015. Collection method: clinical testing. Allele origin: germline.

GeneDx
Classification: Likely benign. Last evaluated: 2016-06-03. Review status: criteria provided, single submitter. Criteria: GeneDx Variant Classification (06012015). Collection method: clinical testing. Allele origin: germline. Affected: yes.
Comment: This variant is considered likely benign or benign based on one or more of the following criteria: it is a conservative change, it occurs at a poorly conserved position in the protein, it is predicted to be benign by multiple in silico algorithms, and/or has population frequency not consistent with disease.